The following is an entry in ClinVar:

ClinVar aggregate classification (germline): Uncertain significance. Review status: reviewed by expert panel (3 of 4 stars). 7 submissions from 7 submitters: Uncertain significance (1). 6 of the submissions do not count toward it. Last evaluated 2021-05-06.

Conditions:
Mitochondrial disease. Also called: Mitochondrial disorder; Mitochondrial disorders. Identifiers: Orphanet 68380, MedGen C0751651, MeSH D028361, MONDO:0044970.
Progressive sclerosing poliodystrophy (MTDPS4A). Also called: Alpers Syndrome; ALPERS DIFFUSE DEGENERATION OF CEREBRAL GRAY MATTER WITH HEPATIC CIRRHOSIS; Alpers-Huttenlocher Syndrome; Mitochondrial DNA depletion syndrome 4A (Alpers type); Mitochondrial DNA Depletion Syndrome 4A; Alpers-Huttenlocher Syndrome (AHS). Identifiers: Orphanet 726, MedGen C0205710, MONDO:0008758, OMIM 203700.

Allele frequency attached by ClinVar (database versions not stated): TOPMed 0.00004; gnomAD exomes 0.00007 and 0.00008; ExAC 0.00009; gnomAD 0.00010 and 0.00011; ESP Exome Variant Server 0.00015.

Submissions (7):

ClinGen Mitochondrial Disease Nuclear and Mitochondrial  Variant Curation Expert Panel, ClinGen
Classification: Uncertain significance for Mitochondrial disease. Last evaluated: 2021-05-06. Review status: reviewed by expert panel. Criteria: ClinGen Mito Disease ACMG Specifications v1. Collection method: curation. Allele origin: germline. Inheritance: Autosomal recessive inheritance.
Comment: The c.3294T>C (p.Asn1098=) variant in POLG is present in population databases at the following frequencies: gnomAD Allele Frequency: 0.00028 with 0 homozygotes (PM2). This is a silent variant and no change in the amino acid (BP7). It has not been published in the literature. In summary, there is insufficient evidence to characterize this variant and therefore it remains a variant of uncertain significance for primary mitochondrial disease inherited in an autosomal recessive manner. ntDNA Mitochondrial ACMG-AMP Criteria for POLG applied: PM2, BP7

Labcorp Genetics (formerly Invitae), Labcorp
Classification: Likely benign for Progressive sclerosing poliodystrophy. Last evaluated: 2026-01-25. Review status: criteria provided, single submitter. Criteria: Invitae Variant Classification Sherloc (09022015). Collection method: clinical testing. Allele origin: germline. Not counted in ClinVar's aggregate classification.

CeGaT Center for Human Genetics Tuebingen
Classification: Likely benign. Last evaluated: 2025-08-01. Review status: criteria provided, single submitter. Criteria: CeGaT Center For Human Genetics Tuebingen Variant Classification Criteria Version 2. Collection method: clinical testing. Allele origin: germline. Affected: yes. Observed: 10 variant alleles. Not counted in ClinVar's aggregate classification.
Comment: POLG: BP4, BP7

Blueprint Genetics
Classification: Likely benign. Last evaluated: 2024-09-17. Review status: criteria provided, single submitter. Criteria: ACMG Guidelines, 2015. Collection method: clinical testing. Allele origin: germline. Not counted in ClinVar's aggregate classification.

Wong Mito Lab, Molecular and Human Genetics, Baylor College of Medicine
Classification: Likely benign for Progressive sclerosing poliodystrophy. Last evaluated: 2018-10-01. Review status: criteria provided, single submitter. Criteria: ACMG Guidelines, 2015. Collection method: clinical testing. Allele origin: germline. Not counted in ClinVar's aggregate classification.
Comment: The NM_002693.2:c.3294T>C (NP_002684.1:p.Asn1098=) [GRCH38: NC_000015.10:g.89318729A>G] variant in POLG gene is interpretated to be a Likely Benign based on ACMG guidelines (PMID: 25741868). This variant meets the following evidence codes reported in the ACMG-guideline. BS1:The minor allele frequency of this allele is high for Mitochondrial DNA depletion syndrome 4A (Alpers type). BP4:Computational evidence/predictors indicate no impact on the POLG structure, function, or protein-protein interaction. BP7:The variant is silent with non predicted splice impact. Based on the evidence criteria codes applied, the variant is suggested to be Likely Benign.

GeneDx
Classification: Benign. Last evaluated: 2014-05-19. Review status: criteria provided, single submitter. Criteria: GeneDx Variant Classification (06012015). Collection method: clinical testing. Allele origin: germline. Affected: yes. Not counted in ClinVar's aggregate classification.
Comment: This variant is considered likely benign or benign based on one or more of the following criteria: it is a conservative change, it occurs at a poorly conserved position in the protein, it is predicted to be benign by multiple in silico algorithms, and/or has population frequency not consistent with disease.

PreventionGenetics, part of Exact Sciences
Classification: Likely benign. Review status: criteria provided, single submitter. Criteria: ACMG Guidelines, 2015. Collection method: clinical testing. Allele origin: germline. Not counted in ClinVar's aggregate classification.

NM_002693.3(POLG):c.3294T>C (p.Asn1098=)

Gene: POLG (DNA polymerase gamma, catalytic subunit; minus strand). Cytogenetic location: 15q26.1.
Variant type: single nucleotide variant.
Coding change: c.3294T>C on transcript NM_002693.3 (MANE Select); coding-DNA position 3294, T replaced by C.
Protein change: p.Asn1098=; no amino-acid change (asparagine 1098 retained).
Molecular consequence: synonymous variant.
Genome position (GRCh38, 1-based): chr15:89,318,729, A>G on the plus strand (T>C on the coding strand, the complement: POLG is on the minus strand). VCF-style: chr15-89318729-A-G. GRCh37 (hg19) VCF-style: chr15-89861960-A-G.
Other names: p.N1098N:AAT>AAC; c.3294T>C (NM_002693.2); c.3294T>C, p.Asn1098= (NM_001126131.2).
Identifiers: ClinVar variation 138759 (VCV000138759.53), dbSNP rs374224714, ClinGen allele CA292843.